The following is an entry in ClinVar:

NM_000070.3(CAPN3):c.1996A>C (p.Met666Leu)

Gene: CAPN3 (calpain 3; plus strand). Cytogenetic location: 15q15.1.
Variant type: single nucleotide variant.
Coding change: c.1996A>C on transcript NM_000070.3 (MANE Select); coding-DNA position 1996, A replaced by C.
Protein change: p.Met666Leu; replaces methionine 666 with leucine.
Molecular consequence: missense variant. On other transcripts: initiator codon variant (2).
Genome position (GRCh38, 1-based): chr15:42,409,790, A>C. VCF-style: chr15-42409790-A-C. GRCh37 (hg19) VCF-style: chr15-42701988-A-C.
Other names: c.1978A>C, p.Met660Leu (NM_024344.2); c.1720A>C, p.Met574Leu (NM_173087.2); c.460A>C, p.Met154Leu (NM_173088.2); c.1A>C, p.Met1Leu (NM_173089.2, NM_173090.2); short protein forms M1L, M660L, M574L, M666L, M154L.
Identifiers: ClinVar variation 3712734 (VCV003712734.2).

ClinVar aggregate classification (germline): Uncertain significance (1 of 4 stars; one submission).

Conditions:
Autosomal recessive limb-girdle muscular dystrophy type 2A (LGMDR1). Also called: MUSCULAR DYSTROPHY, PELVOFEMORAL; Muscular dystrophy, limb-girdle, type 2A, Amish; Limb-girdle muscular dystrophy, type 2A; LEYDEN-MOEBIUS MUSCULAR DYSTROPHY; Calpainopathy. Identifiers: Orphanet 267, MedGen C1869123, MONDO:0009675, OMIM 253600. Disease mechanism: loss of function.

gnomAD v4.1: 4 of 1,570,972 alleles (0.00025%); highest among the groups gnomAD compares: Non-Finnish European, 0.00035%; no homozygotes.

Submission:

Labcorp Genetics (formerly Invitae), Labcorp
Classification: Uncertain significance for Autosomal recessive limb-girdle muscular dystrophy type 2A. Last evaluated: 2024-04-30. Review status: criteria provided, single submitter. Criteria: Invitae Variant Classification Sherloc (09022015). Collection method: clinical testing. Allele origin: germline.
Comment: This sequence change replaces methionine, which is neutral and non-polar, with leucine, which is neutral and non-polar, at codon 666 of the CAPN3 protein (p.Met666Leu). This variant is present in population databases (rs766430864, gnomAD 0.0009%). This variant has not been reported in the literature in individuals affected with CAPN3-related conditions. Advanced modeling of protein sequence and biophysical properties (such as structural, functional, and spatial information, amino acid conservation, physicochemical variation, residue mobility, and thermodynamic stability) performed at Invitae indicates that this missense variant is not expected to disrupt CAPN3 protein function with a negative predictive value of 80%. In summary, the available evidence is currently insufficient to determine the role of this variant in disease. Therefore, it has been classified as a Variant of Uncertain Significance.